The following is an entry in ClinVar:

NM_001148.6(ANK2):c.2183G>T (p.Gly728Val)

Gene: ANK2 (ankyrin 2; plus strand). Cytogenetic location: 4q26.
Variant type: single nucleotide variant.
Coding change: c.2183G>T on transcript NM_001148.6 (MANE Select); coding-DNA position 2183, G replaced by T.
Protein change: p.Gly728Val; replaces glycine 728 with valine.
Molecular consequence: missense variant.
Genome position (GRCh38, 1-based): chr4:113,288,392, G>T. VCF-style: chr4-113288392-G-T. GRCh37 (hg19) VCF-style: chr4-114209548-G-T.
Other names: c.2120G>T, p.Gly707Val (NM_001127493.3, NM_001354239.2, NM_001354243.2 and 10 more transcripts); c.2183G>T, p.Gly728Val (NM_001354225.2, NM_001354228.2, NM_001354232.2 and 6 more transcripts); c.2228G>T, p.Gly743Val (NM_001354230.2, NM_001354231.2, NM_001354237.2 and 5 more transcripts); c.2084G>T, p.Gly695Val (NM_001354245.2, NM_001354268.2); c.2096G>T, p.Gly699Val (NM_001354249.2, NM_001354264.2, NM_001354266.2 and 10 more transcripts); c.2021G>T, p.Gly674Val (NM_001354253.2, NM_001354257.2, NM_001354270.2 and 1 more transcripts); c.1997G>T, p.Gly666Val (NM_001354260.2, NM_001354271.2, NM_001386151.1); c.2141G>T, p.Gly714Val (NM_001354261.2, NM_001386147.1, NM_001386160.1); and 8 more; short protein forms G600V, G658V, G666V, G737V, G743V, G745V, G674V, G695V.
Identifiers: ClinVar variation 3539323 (VCV003539323.1).

ClinVar aggregate classification (germline): Uncertain significance (1 of 4 stars; one submission).

Conditions:
Cardiovascular phenotype. Identifiers: MedGen CN230736.

Submission:

Ambry Genetics
Classification: Uncertain significance for Cardiovascular phenotype. Last evaluated: 2024-06-30. Review status: criteria provided, single submitter. Criteria: Ambry Variant Classification Scheme 2023. Collection method: clinical testing. Allele origin: germline.
Comment: The p.G728V variant (also known as c.2183G>T), located in coding exon 20 of the ANK2 gene, results from a G to T substitution at nucleotide position 2183. The glycine at codon 728 is replaced by valine, an amino acid with dissimilar properties. This amino acid position is conserved. In addition, this alteration is predicted to be deleterious by in silico analysis. Based on the available evidence, the clinical significance of this variant remains unclear.